The following is an entry in ClinVar:

ClinVar aggregate classification (germline): Uncertain significance (1 of 4 stars; one submission).

Allele frequency attached by ClinVar (database versions not stated): gnomAD exomes 0.00001.
gnomAD v4.1: 6 of 1,613,110 alleles (0.00037%); highest among the groups gnomAD compares: Non-Finnish European, 0.00051%; no homozygotes.

Submission:

Labcorp Genetics (formerly Invitae), Labcorp
Classification: Uncertain significance. Last evaluated: 2023-05-05. Review status: criteria provided, single submitter. Criteria: Invitae Variant Classification Sherloc (09022015). Collection method: clinical testing. Allele origin: germline.
Comment: An algorithm developed to predict the effect of missense changes on protein structure and function (PolyPhen-2) suggests that this variant is likely to be tolerated. Algorithms developed to predict the effect of sequence changes on RNA splicing suggest that this variant may disrupt the consensus splice site. In summary, the available evidence is currently insufficient to determine the role of this variant in disease. Therefore, it has been classified as a Variant of Uncertain Significance. This variant has not been reported in the literature in individuals affected with ADAMTS9-related conditions. This sequence change replaces aspartic acid, which is acidic and polar, with tyrosine, which is neutral and polar, at codon 1674 of the ADAMTS9 protein (p.Asp1674Tyr). This variant is present in population databases (no rsID available, gnomAD 0.002%).

NM_182920.2(ADAMTS9):c.5020G>T (p.Asp1674Tyr)

Gene: ADAMTS9 (ADAM metallopeptidase with thrombospondin type 1 motif 9; minus strand). Cytogenetic location: 3p14.1.
Variant type: single nucleotide variant.
Coding change: c.5020G>T on transcript NM_182920.2 (MANE Select); coding-DNA position 5020, G replaced by T.
Protein change: p.Asp1674Tyr; replaces aspartic acid 1674 with tyrosine.
Molecular consequence: missense variant.
Genome position (GRCh38, 1-based): chr3:64,546,802, C>A on the plus strand (G>T on the coding strand, the complement: ADAMTS9 is on the minus strand). VCF-style: chr3-64546802-C-A. GRCh37 (hg19) VCF-style: chr3-64532478-C-A.
Other names: c.4936G>T, p.Asp1646Tyr (NM_001318781.2); short protein forms D1646Y, D1674Y.
Identifiers: ClinVar variation 2992740 (VCV002992740.3), dbSNP rs1162709597, ClinGen allele CA353445490.